The following is an entry in ClinVar:

ClinVar aggregate classification (germline): Uncertain significance (1 of 4 stars; one submission).

Submission:

Greenwood Genetic Center Diagnostic Laboratories, Greenwood Genetic Center
Classification: Uncertain significance. Last evaluated: 2026-05-14. Review status: criteria provided, single submitter. Criteria: ACMG Guidelines, 2015. Collection method: clinical testing. Allele origin: germline.
Comment: PM2, PP2

NM_001128840.3(CACNA1D):c.5291C>T (p.Ser1764Phe)

Gene: CACNA1D (calcium voltage-gated channel subunit alpha1 D; plus strand). Cytogenetic location: 3p21.1.
Variant type: single nucleotide variant.
Coding change: c.5291C>T on transcript NM_001128840.3 (MANE Select); coding-DNA position 5291, C replaced by T.
Protein change: p.Ser1764Phe; replaces serine 1764 with phenylalanine.
Molecular consequence: missense variant.
Genome position (GRCh38, 1-based): chr3:53,801,308, C>T. VCF-style: chr3-53801308-C-T. GRCh37 (hg19) VCF-style: chr3-53835335-C-T.
Other names: c.5351C>T, p.Ser1784Phe (NM_000720.4); c.5246C>T, p.Ser1749Phe (NM_001128839.3); short protein forms S1749F, S1764F, S1784F.
Identifiers: ClinVar variation 4891077 (VCV004891077.1).